The following is an entry in ClinVar:

NM_052865.4(MGME1):c.626T>C (p.Val209Ala)

Gene: MGME1 (mitochondrial genome maintenance exonuclease 1; plus strand). Cytogenetic location: 20p11.23.
Variant type: single nucleotide variant.
Coding change: c.626T>C on transcript NM_052865.4 (MANE Select); coding-DNA position 626, T replaced by C.
Protein change: p.Val209Ala; replaces valine 209 with alanine.
Molecular consequence: missense variant. On other transcripts: intron variant (1).
Genome position (GRCh38, 1-based): chr20:17,975,798, T>C. VCF-style: chr20-17975798-T-C. GRCh37 (hg19) VCF-style: chr20-17956441-T-C.
Other names: c.671T>C, p.Val224Ala (NM_001310338.2); c.386T>C, p.Val129Ala (NM_001363738.2); c.511+5428T>C (NM_001310339.2); short protein forms V129A, V209A, V224A.
Identifiers: ClinVar variation 2579909 (VCV002579909.1), dbSNP rs762866030, ClinGen allele CA9774988.

ClinVar aggregate classification (germline): Uncertain significance (1 of 4 stars; one submission).

Allele frequency attached by ClinVar (database versions not stated): ExAC 0.00001; gnomAD 0.00003; TOPMed 0.00003; gnomAD exomes 0.00007.
gnomAD v4.1: 99 of 1,613,964 alleles (0.0061%); highest among the groups gnomAD compares: Non-Finnish European, 0.0081%; no homozygotes.

Submission:

GeneDx
Classification: Uncertain significance. Last evaluated: 2023-03-17. Review status: criteria provided, single submitter. Criteria: GeneDx Variant Classification Process June 2021. Collection method: clinical testing. Allele origin: germline. Affected: yes.
Comment: Not observed at significant frequency in large population cohorts (gnomAD); In silico analysis supports that this missense variant has a deleterious effect on protein structure/function; Has not been previously published as pathogenic or benign to our knowledge